The following is an entry in ClinVar:

ClinVar aggregate classification (germline): Uncertain significance (1 of 4 stars; one submission).

Submission:

GeneDx
Classification: Uncertain significance. Last evaluated: 2022-07-13. Review status: criteria provided, single submitter. Criteria: GeneDx Variant Classification Process June 2021. Collection method: clinical testing. Allele origin: germline. Affected: yes.
Comment: Not observed at significant frequency in large population cohorts (gnomAD); In silico analysis supports that this variant does not alter protein structure/function; Has not been previously reported in peer-reviewed literature as pathogenic or benign to our knowledge.; This variant is associated with the following publications: (PMID: VogelM2022[abstract])

NM_005068.3(SIM1):c.1412_1413delinsTG (p.Arg471Leu)

Genes: SIM1 (SIM bHLH transcription factor 1; minus strand), SIM1-AS1 (SIM1 antisense RNA 1; plus strand). Cytogenetic location: 6q16.3.
Variant type: Indel.
Coding change: c.1412_1413delinsTG on transcript NM_005068.3 (MANE Select); coding-DNA positions 1412 to 1413, GA replaced by TG.
Protein change: p.Arg471Leu; replaces arginine 471 with leucine.
Molecular consequence: missense variant.
Genome position (GRCh38, 1-based): chr6:100,393,644-100,393,645, TC replaced by CA on the plus strand (GA replaced by TG on the coding strand, the reverse complement: SIM1 is on the minus strand). VCF-style: chr6-100393644-TC-CA. GRCh37 (hg19) VCF-style: chr6-100841520-TC-CA.
Other names: c.1412_1413delinsTG, p.Arg471Leu (NM_001374769.1); short protein forms R471L.
Identifiers: ClinVar variation 1878896 (VCV001878896.1), dbSNP rs2482003769, ClinGen allele CA2580074697.